The following is an entry in ClinVar:

NM_152564.5(VPS13B):c.10961A>T (p.Tyr3654Phe)

Gene: VPS13B (vacuolar protein sorting 13 homolog B; plus strand). Cytogenetic location: 8q22.2.
Variant type: single nucleotide variant.
Coding change: c.10961A>T on transcript NM_152564.5 (MANE Select); coding-DNA position 10961, A replaced by T.
Protein change: p.Tyr3654Phe; replaces tyrosine 3654 with phenylalanine.
Molecular consequence: missense variant.
Genome position (GRCh38, 1-based): chr8:99,859,397, A>T. VCF-style: chr8-99859397-A-T. GRCh37 (hg19) VCF-style: chr8-100871625-A-T.
Other names: c.11036A>T (NM_017890.3); c.11036A>T, p.Tyr3679Phe (NM_017890.5); short protein forms Y3654F, Y3679F.
Identifiers: ClinVar variation 1421346 (VCV001421346.5), dbSNP rs774678400, ClinGen allele CA4825080.
Genomic context (GRCh38, chr8:99,859,397, plus strand): 5'-GCCCTGCAAGCCTGGTGAGAAGCATCGGGAACGGGGTCGCCGACTTCTTCAGGCTTCCGT[A>T]TGAGGGGCTGACCCGGGGCCCTGGAGCCTTCGTGAGTGGCGTCTCCAGAGGGACCACATC-3'
Protein context (NP_689777.3, residues 3644-3664): NGVADFFRLP[Tyr3654Phe]EGLTRGPGAF

ClinVar aggregate classification (germline): Uncertain significance. Review status: criteria provided, multiple submitters, no conflicts (2 of 4 stars). 2 submissions from 2 submitters: Uncertain significance (2). Last evaluated 2025-06-11.

Conditions:
Cohen syndrome (COH1). Also called: Cutis verticis gyrata, retinitis pigmentosa, and sensorineural deafness; PEPPER SYNDROME. Identifiers: Orphanet 193, MedGen C0265223, MONDO:0008999, OMIM 216550.

gnomAD v4.1: 34 of 1,613,956 alleles (0.0021%); highest among the groups gnomAD compares: Non-Finnish European, 0.0028%; no homozygotes.

Submissions (2):

GeneDx
Classification: Uncertain significance. Last evaluated: 2025-06-11. Review status: criteria provided, single submitter. Criteria: GeneDx Variant Classification Process June 2021. Collection method: clinical testing. Allele origin: germline. Affected: yes.
Comment: Has not been previously published as pathogenic or benign to our knowledge; Not observed at significant frequency in large population cohorts (gnomAD); In silico analysis suggests that this missense variant does not alter protein structure/function

Labcorp Genetics (formerly Invitae), Labcorp
Classification: Uncertain significance for Cohen syndrome. Last evaluated: 2025-03-29. Review status: criteria provided, single submitter. Criteria: Invitae Variant Classification Sherloc (09022015). Collection method: clinical testing. Allele origin: germline.
Comment: This sequence change replaces tyrosine, which is neutral and polar, with phenylalanine, which is neutral and non-polar, at codon 3679 of the VPS13B protein (p.Tyr3679Phe). This variant is present in population databases (rs774678400, gnomAD 0.0009%). This variant has not been reported in the literature in individuals affected with VPS13B-related conditions. ClinVar contains an entry for this variant (Variation ID: 1421346). Invitae Evidence Modeling of protein sequence and biophysical properties (such as structural, functional, and spatial information, amino acid conservation, physicochemical variation, residue mobility, and thermodynamic stability) indicates that this missense variant is expected to disrupt VPS13B protein function with a positive predictive value of 80%. In summary, the available evidence is currently insufficient to determine the role of this variant in disease. Therefore, it has been classified as a Variant of Uncertain Significance.